The following is an entry in ClinVar:

ClinVar aggregate classification (germline): Benign. Review status: criteria provided, multiple submitters, no conflicts (2 of 4 stars). 8 submissions from 8 submitters: Benign (6). 2 of the submissions do not count toward it. Last evaluated 2026-02-04.

Conditions:
Autosomal recessive hypophosphatemic bone disease (HHRH). Also called: HYPERCALCIURIC RICKETS; Hypophosphatemic rickets with hypercalciuria. Identifiers: Orphanet 157215, MedGen C1853271, MONDO:0009431, OMIM 241530.

Allele frequency attached by ClinVar (database versions not stated): gnomAD exomes 0.85236 and 0.88177; ExAC 0.88308; gnomAD 0.88574 and 0.88880; ESP Exome Variant Server 0.88692; TOPMed 0.90767; 1000 Genomes Project 0.94609; 1000 Genomes Project 30x 0.94816.
gnomAD v4.1: 1,379,101 of 1,609,720 alleles (86%); highest among the groups gnomAD compares: East Asian, 100%; 593,168 homozygotes.

Submissions (8):

Labcorp Genetics (formerly Invitae), Labcorp
Classification: Benign. Last evaluated: 2026-02-04. Review status: criteria provided, single submitter. Criteria: Invitae Variant Classification Sherloc (09022015). Collection method: clinical testing. Allele origin: germline.

Blueprint Genetics
Classification: Benign. Last evaluated: 2024-11-27. Review status: criteria provided, single submitter. Criteria: ACMG Guidelines, 2015. Collection method: clinical testing. Allele origin: germline.

Genome-Nilou Lab
Classification: Benign for Autosomal recessive hypophosphatemic bone disease. Last evaluated: 2021-07-15. Review status: criteria provided, single submitter. Criteria: ACMG Guidelines, 2015. Collection method: clinical testing. Allele origin: germline. Affected: no.

Laboratory for Molecular Medicine, Mass General Brigham Personalized Medicine
Classification: Benign. Last evaluated: 2016-03-21. Review status: criteria provided, single submitter. Criteria: LMM Criteria. Collection method: clinical testing. Allele origin: germline. Observed: 1 variant allele.
Comment: p.Glu513Val in exon 13 of SLC34A3: This variant is not expected to have clinical significance because it has been identified in 99.94% (8411/8416) of East Asian chromosomes by the Exome Aggregation Consortium (ExAC; dbSNP rs28542318).

Eurofins Ntd Llc (ga)
Classification: Benign. Last evaluated: 2014-11-03. Review status: criteria provided, single submitter. Criteria: EGL Classification Definitions 2015. Collection method: clinical testing. Allele origin: germline. Observed: 3 variant alleles, 2 heterozygotes, 1 homozygote.

Breakthrough Genomics
Classification: Benign. Review status: criteria provided, single submitter. Criteria: ACMG Guidelines, 2015. Collection method: not provided. Allele origin: germline. Inheritance: Autosomal recessive inheritance. Affected: yes.

Diagnostic Laboratory, Department of Genetics, University Medical Center Groningen
Classification: Benign. Review status: no assertion criteria provided. Collection method: clinical testing. Allele origin: germline. Affected: yes. Study: VKGL Data-share Consensus. Not counted in ClinVar's aggregate classification.

Genome Diagnostics Laboratory, University Medical Center Utrecht
Classification: Benign. Review status: no assertion criteria provided. Collection method: clinical testing. Allele origin: germline. Affected: yes. Study: VKGL Data-share Consensus. Not counted in ClinVar's aggregate classification.

NM_001177316.2(SLC34A3):c.1538A>T (p.Glu513Val)

Gene: SLC34A3 (solute carrier family 34 member 3; plus strand). Cytogenetic location: 9q34.3.
Variant type: single nucleotide variant.
Coding change: c.1538A>T on transcript NM_001177316.2 (MANE Select); coding-DNA position 1538, A replaced by T.
Protein change: p.Glu513Val; replaces glutamic acid 513 with valine.
Molecular consequence: missense variant.
Genome position (GRCh38, 1-based): chr9:137,236,154, A>T. VCF-style: chr9-137236154-A-T. GRCh37 (hg19) VCF-style: chr9-140130606-A-T.
Other names: c.1538A>T, p.Glu513Val (NM_001177317.2, NM_080877.3); short protein forms E513V.
Identifiers: ClinVar variation 194277 (VCV000194277.25), dbSNP rs28542318, ClinGen allele CA201084.